The following is an entry in ClinVar:

NM_001458.5(FLNC):c.6853C>A (p.Pro2285Thr)

Genes: FLNC (filamin C; plus strand), FLNC-AS1 (FLNC antisense RNA 1; minus strand). Cytogenetic location: 7q32.1.
Variant type: single nucleotide variant.
Coding change: c.6853C>A on transcript NM_001458.5 (MANE Select); coding-DNA position 6853, C replaced by A.
Protein change: p.Pro2285Thr; replaces proline 2285 with threonine.
Molecular consequence: missense variant.
Genome position (GRCh38, 1-based): chr7:128,854,538, C>A. VCF-style: chr7-128854538-C-A. GRCh37 (hg19) VCF-style: chr7-128494592-C-A.
Other names: c.6754C>A, p.Pro2252Thr (NM_001127487.2); short protein forms P2252T, P2285T.
Identifiers: ClinVar variation 1194999 (VCV001194999.9), dbSNP rs1455006748, ClinGen allele CA369213934.
Genomic context (GRCh38, chr7:128,854,538, plus strand): 5'-GAGATCGTCGAGGGCGAGGACAGCGCCTACAGCGTGCGCTTTGTGCCCCAGGAAATGGGG[C>A]CCCATACGGTCGCTGTCAAGTACCGTGGCCAGCACGTGCCCGGCAGCCCCTTTCAGTTCA-3'
Protein context (NP_001449.3, residues 2275-2295): SVRFVPQEMG[Pro2285Thr]HTVAVKYRGQ

ClinVar aggregate classification (germline): Conflicting classifications of pathogenicity. Review status: criteria provided, conflicting classifications (1 of 4 stars). 3 submissions from 3 submitters: Uncertain significance (2); Likely benign (1). Last evaluated 2025-10-27.

Conditions:
Myofibrillar myopathy 5. Also called: Filaminopathy (type); FILAMINOPATHY, AUTOSOMAL DOMINANT. Identifiers: Orphanet 171445, MedGen C1836050, MONDO:0012289, OMIM 609524.
Distal myopathy with posterior leg and anterior hand involvement. Also called: WILLIAMS DISTAL MYOPATHY. Identifiers: Orphanet 63273, MedGen C3279722, MONDO:0013550, OMIM 614065.
Hypertrophic cardiomyopathy 26. Also called: Cardiomyopathy, familial hypertrophic, 26. Identifiers: Orphanet 75249, MedGen C4310749, MONDO:0014883, OMIM 617047.
Cardiovascular phenotype. Identifiers: MedGen CN230736.

Allele frequency attached by ClinVar (database versions not stated): gnomAD exomes below 0.00001; gnomAD 0.00001; TOPMed 0.00001.
gnomAD v4.1: 6 of 1,606,994 alleles (0.00037%); highest among the groups gnomAD compares: Admixed American, 0.0085%; no homozygotes.

Submissions (3):

Ambry Genetics
Classification: Uncertain significance for Cardiovascular phenotype. Last evaluated: 2025-10-27. Review status: criteria provided, single submitter. Criteria: Ambry Variant Classification Scheme 2023. Collection method: clinical testing. Allele origin: germline.
Comment: The p.P2285T variant (also known as c.6853C>A), located in coding exon 41 of the FLNC gene, results from a C to A substitution at nucleotide position 6853. The proline at codon 2285 is replaced by threonine, an amino acid with highly similar properties. This amino acid position is conserved. In addition, this alteration is predicted to be tolerated by in silico analysis. Based on the available evidence, the clinical significance of this variant remains unclear.

Labcorp Genetics (formerly Invitae), Labcorp
Classification: Likely benign for Distal myopathy with posterior leg and anterior hand involvement; Myofibrillar myopathy 5; Hypertrophic cardiomyopathy 26. Last evaluated: 2024-10-18. Review status: criteria provided, single submitter. Criteria: Invitae Variant Classification Sherloc (09022015). Collection method: clinical testing. Allele origin: germline.

GeneDx
Classification: Uncertain significance. Last evaluated: 2020-11-23. Review status: criteria provided, single submitter. Criteria: GeneDx Variant Classification Process June 2021. Collection method: clinical testing. Allele origin: germline. Affected: yes.
Comment: Has not been previously published as pathogenic or benign to our knowledge; Not observed at a significant frequency in large population cohorts (Lek et al., 2016); In silico analysis supports that this missense variant does not alter protein structure/function